The following is an entry in ClinVar:

NM_002739.5(PRKCG):c.220C>T (p.His74Tyr)

Gene: PRKCG (protein kinase C gamma; plus strand). Cytogenetic location: 19q13.42.
Variant type: single nucleotide variant.
Coding change: c.220C>T on transcript NM_002739.5 (MANE Select); coding-DNA position 220, C replaced by T.
Protein change: p.His74Tyr; replaces histidine 74 with tyrosine.
Molecular consequence: missense variant.
Genome position (GRCh38, 1-based): chr19:53,884,178, C>T. VCF-style: chr19-53884178-C-T. GRCh37 (hg19) VCF-style: chr19-54387432-C-T.
Other names: c.220C>T, p.His74Tyr (NM_001316329.2); short protein forms H74Y.
Identifiers: ClinVar variation 1333855 (VCV001333855.20), dbSNP rs2122976509, ClinGen allele CA407412656.

ClinVar aggregate classification (germline): Likely pathogenic. Review status: criteria provided, multiple submitters, no conflicts (2 of 4 stars). 2 submissions from 2 submitters: Likely pathogenic (2). Last evaluated 2024-05-01.

Conditions:
Spinocerebellar ataxia type 14 (SCA14). Identifiers: Orphanet 98763, MedGen C1854369, MONDO:0011540, OMIM 605361.

Submissions (2):

CeGaT Center for Human Genetics Tuebingen
Classification: Likely pathogenic. Last evaluated: 2024-05-01. Review status: criteria provided, single submitter. Criteria: CeGaT Center For Human Genetics Tuebingen Variant Classification Criteria Version 2. Collection method: clinical testing. Allele origin: germline. Affected: yes. Observed: 1 variant allele.
Comment: PRKCG: PM2, PM5, PP2, PP3, PS4:Supporting

CENTOGENE GmbH and LLC - Guiding Precision Medicine
Classification: Likely pathogenic for Spinocerebellar ataxia type 14. Last evaluated: 2020-06-02. Review status: criteria provided, single submitter. Criteria: ACMG Guidelines, 2015. Collection method: clinical testing. Allele origin: germline. Affected: yes.